The following is an entry in ClinVar:

NM_006904.7(PRKDC):c.7415A>G (p.Gln2472Arg)

Gene: PRKDC (protein kinase, DNA-activated, catalytic subunit; minus strand). Cytogenetic location: 8q11.21.
Variant type: single nucleotide variant.
Coding change: c.7415A>G on transcript NM_006904.7 (MANE Select); coding-DNA position 7415, A replaced by G.
Protein change: p.Gln2472Arg; replaces glutamine 2472 with arginine.
Molecular consequence: missense variant.
Genome position (GRCh38, 1-based): chr8:47,840,055, T>C on the plus strand (A>G on the coding strand, the complement: PRKDC is on the minus strand). VCF-style: chr8-47840055-T-C. GRCh37 (hg19) VCF-style: chr8-48752616-T-C.
Other names: c.7415A>G, p.Gln2472Arg (NM_001081640.2); short protein forms Q2472R.
Identifiers: ClinVar variation 2497403 (VCV002497403.2), dbSNP rs2551867911, ClinGen allele CA371155130.

ClinVar aggregate classification (germline): Uncertain significance (1 of 4 stars; one submission).

Submission:

Ambry Genetics
Classification: Uncertain significance. Last evaluated: 2022-12-23. Review status: criteria provided, single submitter. Criteria: Ambry Variant Classification Scheme 2023. Collection method: clinical testing. Allele origin: germline.
Comment: The p.Q2472R variant (also known as c.7415A>G), located in coding exon 55 of the PRKDC gene, results from an A to G substitution at nucleotide position 7415. The glutamine at codon 2472 is replaced by arginine, an amino acid with highly similar properties. This amino acid position is conserved. Since supporting evidence is limited at this time, the clinical significance of this alteration remains unclear.